The following is an entry in ClinVar:

NM_001371279.1(REEP1):c.133T>G (p.Phe45Val)

Gene: REEP1 (receptor accessory protein 1; minus strand). Cytogenetic location: 2p11.2.
Variant type: single nucleotide variant.
Coding change: c.133T>G on transcript NM_001371279.1 (MANE Select); coding-DNA position 133, T replaced by G.
Protein change: p.Phe45Val; replaces phenylalanine 45 with valine.
Molecular consequence: missense variant.
Genome position (GRCh38, 1-based): chr2:86,264,014, A>C on the plus strand (T>G on the coding strand, the complement: REEP1 is on the minus strand). VCF-style: chr2-86264014-A-C. GRCh37 (hg19) VCF-style: chr2-86491137-A-C.
Other names: c.154T>G, p.Phe52Val (NM_001164730.2); c.52T>G, p.Phe18Val (NM_001164731.2); c.133T>G, p.Phe45Val (NM_001164732.2, NM_001371280.1, NM_022912.3); short protein forms F18V, F45V, F52V.
Identifiers: ClinVar variation 1314076 (VCV001314076.2), dbSNP rs1387169886, ClinGen allele CA347720059.
Genomic context (GRCh38, chr2:86,264,014, plus strand): 5'-GGAGTACTTACCAACAAAGGAAGATGTCTGTGAATGTCTCTGCTGTGGTGAAAAGTGCAA[A>C]TATAATCCAGTACATCATCCATTTGACCTGTTGAAACAGAAAGCAACACAGCTGGTAGAA-3'
Protein context (NP_001358208.1, residues 35-55): YVKWMMYWII[Phe45Val]ALFTTAETFT

ClinVar aggregate classification (germline): Uncertain significance (1 of 4 stars; one submission).

Submission:

GeneDx
Classification: Uncertain significance. Last evaluated: 2021-01-19. Review status: criteria provided, single submitter. Criteria: GeneDx Variant Classification Process June 2021. Collection method: clinical testing. Allele origin: germline. Affected: yes.
Comment: Not observed in large population cohorts (Lek et al., 2016); In silico analysis supports that this missense variant has a deleterious effect on protein structure/function; Has not been previously published as pathogenic or benign to our knowledge